The following is an entry in ClinVar:

ClinVar aggregate classification (germline): Uncertain significance (1 of 4 stars; one submission).

Allele frequency attached by ClinVar (database versions not stated): TOPMed 0.00008; gnomAD 0.00011; ExAC 0.00012; ESP Exome Variant Server 0.00015.
gnomAD v4.1: 128 of 1,614,056 alleles (0.0079%); highest among the groups gnomAD compares: Non-Finnish European, 0.001%; no homozygotes.

Submission:

CeGaT Center for Human Genetics Tuebingen
Classification: Uncertain significance. Last evaluated: 2023-10-01. Review status: criteria provided, single submitter. Criteria: CeGaT Center For Human Genetics Tuebingen Variant Classification Criteria Version 2. Collection method: clinical testing. Allele origin: germline. Affected: yes. Observed: 1 variant allele.
Comment: OS9: PM2, BP4

NM_006812.4(OS9):c.308G>C (p.Ser103Thr)

Gene: OS9 (OS9 endoplasmic reticulum lectin; plus strand). Cytogenetic location: 12q13.3.
Variant type: single nucleotide variant.
Coding change: c.308G>C on transcript NM_006812.4 (MANE Select); coding-DNA position 308, G replaced by C.
Protein change: p.Ser103Thr; replaces serine 103 with threonine.
Molecular consequence: missense variant. On other transcripts: intron variant (1).
Genome position (GRCh38, 1-based): chr12:57,694,895, G>C. VCF-style: chr12-57694895-G-C. GRCh37 (hg19) VCF-style: chr12-58088678-G-C.
Other names: c.308G>C, p.Ser103Thr (NM_001017956.3, NM_001017957.3, NM_001017958.3 and 6 more transcripts); c.162+572G>C (NM_001261423.2); short protein forms S103T.
Identifiers: ClinVar variation 2643146 (VCV002643146.24), dbSNP rs143245320, ClinGen allele CA6655985.